The following is an entry in ClinVar:

NM_018046.5(AGGF1):c.84G>A (p.Lys28=)

Gene: AGGF1 (angiogenic factor with G-patch and FHA domains 1; plus strand). Cytogenetic location: 5q13.3.
Variant type: single nucleotide variant.
Coding change: c.84G>A on transcript NM_018046.5 (MANE Select); coding-DNA position 84, G replaced by A.
Protein change: p.Lys28=; no amino-acid change (lysine 28 retained).
Molecular consequence: synonymous variant.
Genome position (GRCh38, 1-based): chr5:77,030,850, G>A. VCF-style: chr5-77030850-G-A. GRCh37 (hg19) VCF-style: chr5-76326675-G-A.
Identifiers: ClinVar variation 3257612 (VCV003257612.17).
Genomic context (GRCh38, chr5:77,030,850, plus strand): 5'-GCCGCGGTCGCCGCCGCCGCCCACCTCCCCCGAGCCTGAGCTGGCCCAGCTAAGGCGGAA[G>A]GTGGAGAAGTTGGAACGTGAACTGCGGAGCTGCAAGCGGCAGGTGCGGGAGATCGAGAAG-3'
Protein context (NP_060516.2, residues 18-38): PEPELAQLRR[Lys28=]VEKLERELRS

ClinVar aggregate classification (germline): Likely benign (1 of 4 stars; one submission).

gnomAD v4.1: 9,518 of 1,612,818 alleles (0.59%); highest among the groups gnomAD compares: Non-Finnish European, 0.75%; 44 homozygotes.

Submission:

CeGaT Center for Human Genetics Tuebingen
Classification: Likely benign. Last evaluated: 2024-07-01. Review status: criteria provided, single submitter. Criteria: CeGaT Center For Human Genetics Tuebingen Variant Classification Criteria Version 2. Collection method: clinical testing. Allele origin: germline. Affected: yes. Observed: 1 variant allele.
Comment: AGGF1: BP4, BP7, BS2